The following is an entry in ClinVar:

ClinVar aggregate classification (germline): Uncertain significance (1 of 4 stars; one submission).

Conditions:
Cardiovascular phenotype. Identifiers: MedGen CN230736.

Submission:

Ambry Genetics
Classification: Uncertain significance for Cardiovascular phenotype. Last evaluated: 2025-09-17. Review status: criteria provided, single submitter. Criteria: Ambry Variant Classification Scheme 2023. Collection method: clinical testing. Allele origin: germline.
Comment: The p.A95T variant (also known as c.283G>A), located in coding exon 1 of the SNTA1 gene, results from a G to A substitution at nucleotide position 283. The alanine at codon 95 is replaced by threonine, an amino acid with similar properties. This amino acid position is conserved. In addition, this alteration is predicted to be tolerated by in silico analysis. Based on the available evidence, the clinical significance of this variant remains unclear.

NM_003098.3(SNTA1):c.283G>A (p.Ala95Thr)

Genes: SNTA1 (syntrophin alpha 1; minus strand), LOC130065679 (ATAC-STARR-seq lymphoblastoid silent region 12811; plus strand). Cytogenetic location: 20q11.21.
Variant type: single nucleotide variant.
Coding change: c.283G>A on transcript NM_003098.3 (MANE Select); coding-DNA position 283, G replaced by A.
Protein change: p.Ala95Thr; replaces alanine 95 with threonine.
Molecular consequence: missense variant.
Genome position (GRCh38, 1-based): chr20:33,443,338, C>T on the plus strand (G>A on the coding strand, the complement: SNTA1 is on the minus strand). VCF-style: chr20-33443338-C-T. GRCh37 (hg19) VCF-style: chr20-32031144-C-T.
Other names: c.283G>A, p.Ala95Thr (NM_001424413.1, NM_001424414.1); short protein forms A95T.
Identifiers: ClinVar variation 4614959 (VCV004614959.1).